The following is an entry in ClinVar:

ClinVar aggregate classification (germline): Uncertain significance (1 of 4 stars; one submission).

Conditions:
Inborn genetic diseases. Identifiers: MedGen C0950123, MeSH D030342.

Allele frequency attached by ClinVar (database versions not stated): gnomAD exomes below 0.00001; gnomAD 0.00001.
gnomAD v4.1: 2 of 1,544,456 alleles (0.00013%); highest among the groups gnomAD compares: African/African-American, 0.0027%; no homozygotes.

Submission:

Ambry Genetics
Classification: Uncertain significance for Inborn genetic diseases. Last evaluated: 2022-12-12. Review status: criteria provided, single submitter. Criteria: Ambry Variant Classification Scheme 2023. Collection method: clinical testing. Allele origin: germline.
Comment: The p.H942Y variant (also known as c.2824C>T), located in coding exon 22 of the LRRK2 gene, results from a C to T substitution at nucleotide position 2824. The histidine at codon 942 is replaced by tyrosine, an amino acid with similar properties. This amino acid position is conserved. In addition, this alteration is predicted to be tolerated by in silico analysis. Since supporting evidence is limited at this time, the clinical significance of this alteration remains unclear.

NM_198578.4(LRRK2):c.2824C>T (p.His942Tyr)

Gene: LRRK2 (leucine rich repeat kinase 2; plus strand). Cytogenetic location: 12q12.
Variant type: single nucleotide variant.
Coding change: c.2824C>T on transcript NM_198578.4 (MANE Select); coding-DNA position 2824, C replaced by T.
Protein change: p.His942Tyr; replaces histidine 942 with tyrosine.
Molecular consequence: missense variant.
Genome position (GRCh38, 1-based): chr12:40,294,860, C>T. VCF-style: chr12-40294860-C-T. GRCh37 (hg19) VCF-style: chr12-40688662-C-T.
Other names: short protein forms H942Y.
Identifiers: ClinVar variation 2453044 (VCV002453044.2), dbSNP rs1944317504, ClinGen allele CA384412105.